The following is an entry in ClinVar:

ClinVar aggregate classification (germline): Uncertain significance (1 of 4 stars; one submission).

Submission:

Dasa
Classification: Uncertain significance. Last evaluated: 2025-07-05. Review status: criteria provided, single submitter. Criteria: DASA Assertion Criteria. Collection method: clinical testing. Allele origin: germline.
Comment: NM_006662.3(SRCAP):c.2817+6T>C is a splice-region variant. This variant is absent from population databases. Computational prediction algorithms are consistent with a benign effect. The currently available literature and clinical evidence are not sufficient to establish a definitive association between this variant and the reported condition. Therefore, this variant is classified as a variant of uncertain significance.

NM_006662.3(SRCAP):c.2817+6T>C

Gene: SRCAP (Snf2 related CREBBP activator protein; plus strand). Cytogenetic location: 16p11.2.
Variant type: single nucleotide variant.
Coding change: c.2817+6T>C on transcript NM_006662.3 (MANE Select); 6 bases into the intron after coding-DNA position 2817, T replaced by C.
Molecular consequence: intron variant.
Genome position (GRCh38, 1-based): chr16:30,716,485, T>C. VCF-style: chr16-30716485-T-C. GRCh37 (hg19) VCF-style: chr16-30727806-T-C.
Identifiers: ClinVar variation 4883254 (VCV004883254.2).